The following is an entry in ClinVar:

NM_014284.3(NCDN):c.1968C>T (p.Pro656=)

Gene: NCDN (neurochondrin; plus strand). Cytogenetic location: 1p34.3.
Variant type: single nucleotide variant.
Coding change: c.1968C>T on transcript NM_014284.3 (MANE Select); coding-DNA position 1968, C replaced by T.
Protein change: p.Pro656=; no amino-acid change (proline 656 retained).
Molecular consequence: synonymous variant.
Genome position (GRCh38, 1-based): chr1:35,565,441, C>T. VCF-style: chr1-35565441-C-T. GRCh37 (hg19) VCF-style: chr1-36031042-C-T.
Other names: c.1968C>T, p.Pro656= (NM_001014839.2); c.1917C>T, p.Pro639= (NM_001014841.2).
Identifiers: ClinVar variation 2638654 (VCV002638654.24), dbSNP rs543753358, ClinGen allele CA760390.

ClinVar aggregate classification (germline): Likely benign (1 of 4 stars; one submission).

Allele frequency attached by ClinVar (database versions not stated): TOPMed 0.00010; gnomAD 0.00011; gnomAD exomes 0.00011; ExAC 0.00014; 1000 Genomes Project 30x 0.00016; 1000 Genomes Project 0.00020.
gnomAD v4.1: 186 of 1,611,330 alleles (0.012%); highest among the groups gnomAD compares: East Asian, 0.042%; no homozygotes.

Submission:

CeGaT Center for Human Genetics Tuebingen
Classification: Likely benign. Last evaluated: 2023-10-01. Review status: criteria provided, single submitter. Criteria: CeGaT Center For Human Genetics Tuebingen Variant Classification Criteria Version 2. Collection method: clinical testing. Allele origin: germline. Affected: yes. Observed: 1 variant allele.
Comment: NCDN: BP4, BP7